The following is an entry in ClinVar:

NM_182931.3(KMT2E):c.5500C>A (p.Pro1834Thr)

Gene: KMT2E (lysine methyltransferase 2E (inactive); plus strand). Cytogenetic location: 7q22.3.
Variant type: single nucleotide variant.
Coding change: c.5500C>A on transcript NM_182931.3 (MANE Select); coding-DNA position 5500, C replaced by A.
Protein change: p.Pro1834Thr; replaces proline 1834 with threonine.
Molecular consequence: missense variant.
Genome position (GRCh38, 1-based): chr7:105,113,256, C>A. VCF-style: chr7-105113256-C-A. GRCh37 (hg19) VCF-style: chr7-104753703-C-A.
Other names: c.5374C>A, p.Pro1792Thr (NM_001410908.1); c.5500C>A, p.Pro1834Thr (NM_018682.4); short protein forms P1792T, P1834T.
Identifiers: ClinVar variation 4806529 (VCV004806529.1).

ClinVar aggregate classification (germline): Uncertain significance (1 of 4 stars; one submission).

gnomAD v4.1: 1 of 1,614,202 alleles (0.000062%); highest among the groups gnomAD compares: South Asian, 0.0011%; no homozygotes.

Submission:

Labcorp Genetics (formerly Invitae), Labcorp
Classification: Uncertain significance. Last evaluated: 2025-07-01. Review status: criteria provided, single submitter. Criteria: Invitae Variant Classification Sherloc (09022015). Collection method: clinical testing. Allele origin: germline.
Comment: This sequence change replaces proline, which is neutral and non-polar, with threonine, which is neutral and polar, at codon 1834 of the KMT2E protein (p.Pro1834Thr). This variant is present in population databases (rs779447997, gnomAD 0.003%). This variant has not been reported in the literature in individuals affected with KMT2E-related conditions. An algorithm developed to predict the effect of missense changes on protein structure and function (PolyPhen-2) suggests that this variant is likely to be tolerated. In summary, the available evidence is currently insufficient to determine the role of this variant in disease. Therefore, it has been classified as a Variant of Uncertain Significance.